The following is an entry in ClinVar:

NM_021738.3(SVIL):c.979G>A (p.Val327Ile)

Gene: SVIL (supervillin; minus strand). Cytogenetic location: 10p11.23.
Variant type: single nucleotide variant.
Coding change: c.979G>A on transcript NM_021738.3 (MANE Select); coding-DNA position 979, G replaced by A.
Protein change: p.Val327Ile; replaces valine 327 with isoleucine.
Molecular consequence: missense variant. On other transcripts: intron variant (3).
Genome position (GRCh38, 1-based): chr10:29,533,388, C>T on the plus strand (G>A on the coding strand, the complement: SVIL is on the minus strand). VCF-style: chr10-29533388-C-T. GRCh37 (hg19) VCF-style: chr10-29822317-C-T.
Other names: c.909-1216G>A (NM_001323599.2); c.828-2100G>A (NM_001323600.1, NM_003174.3); c.979G>A (NM_021738.2); short protein forms V327I.
Identifiers: ClinVar variation 2640390 (VCV002640390.25), dbSNP rs779200901, ClinGen allele CA5457568.
Genomic context (GRCh38, chr10:29,533,388, plus strand): 5'-AGTGCTCAGACTGAAATGACACGTAATGGACTGGCGCTGGCTGGTGTCTCCTCTGAGTTA[C>T]GGACTCTGAGGCGAGTTCAGGGCTGTTTCGAGCACTTTCCTCTTTCACCAATTTTTCTCT-3'
Protein context (NP_068506.2, residues 317-337): RNSPELASES[Val327Ile]TQRRHQPAPV

ClinVar aggregate classification (germline): Conflicting classifications of pathogenicity. Review status: criteria provided, conflicting classifications (1 of 4 stars). 2 submissions from 2 submitters: Uncertain significance (1); Likely benign (1). Last evaluated 2025-01-21.

Allele frequency attached by ClinVar (database versions not stated): gnomAD exomes 0.00002; TOPMed 0.00002; gnomAD 0.00003; ExAC 0.00004.
gnomAD v4.1: 35 of 1,614,042 alleles (0.0022%); highest among the groups gnomAD compares: African/African-American, 0.004%; no homozygotes.

Submissions (2):

Ambry Genetics
Classification: Likely benign. Last evaluated: 2025-01-21. Review status: criteria provided, single submitter. Criteria: Ambry Variant Classification Scheme 2023. Collection method: clinical testing. Allele origin: germline.

CeGaT Center for Human Genetics Tuebingen
Classification: Uncertain significance. Last evaluated: 2022-06-01. Review status: criteria provided, single submitter. Criteria: CeGaT Center For Human Genetics Tuebingen Variant Classification Criteria Version 2. Collection method: clinical testing. Allele origin: germline. Affected: yes. Observed: 1 variant allele.
Comment: SVIL: PM2, BP4